The following is an entry in ClinVar:

NM_004260.4(RECQL4):c.814C>A (p.Pro272Thr)

Gene: RECQL4 (RecQ like helicase 4; minus strand). Cytogenetic location: 8q24.3.
Variant type: single nucleotide variant.
Coding change: c.814C>A on transcript NM_004260.4 (MANE Select); coding-DNA position 814, C replaced by A.
Protein change: p.Pro272Thr; replaces proline 272 with threonine.
Molecular consequence: missense variant.
Genome position (GRCh38, 1-based): chr8:144,516,305, G>T on the plus strand (C>A on the coding strand, the complement: RECQL4 is on the minus strand). VCF-style: chr8-144516305-G-T. GRCh37 (hg19) VCF-style: chr8-145741689-G-T.
Other names: c.814C>A (NM_004260.3); short protein forms P272T.
Identifiers: ClinVar variation 1418268 (VCV001418268.7), dbSNP rs1202501641, ClinGen allele CA372689112.

ClinVar aggregate classification (germline): Uncertain significance. Review status: criteria provided, multiple submitters, no conflicts (2 of 4 stars). 2 submissions from 2 submitters: Uncertain significance (2). Last evaluated 2025-03-31.

Conditions:
Baller-Gerold syndrome (BGS). Also called: CRANIOSYNOSTOSIS WITH RADIAL DEFECTS. Identifiers: Orphanet 1225, MedGen C0265308, MONDO:0009039, OMIM 218600.
Inborn genetic diseases. Identifiers: MedGen C0950123, MeSH D030342.

Submissions (2):

Ambry Genetics
Classification: Uncertain significance for Inborn genetic diseases. Last evaluated: 2025-03-31. Review status: criteria provided, single submitter. Criteria: Ambry Variant Classification Scheme 2023. Collection method: clinical testing. Allele origin: germline.
Comment: The p.P272T variant (also known as c.814C>A), located in coding exon 5 of the RECQL4 gene, results from a C to A substitution at nucleotide position 814. The proline at codon 272 is replaced by threonine, an amino acid with highly similar properties. This amino acid position is conserved. In addition, this alteration is predicted to be tolerated by in silico analysis. Based on the available evidence, the clinical significance of this variant remains unclear.

Labcorp Genetics (formerly Invitae), Labcorp
Classification: Uncertain significance for Baller-Gerold syndrome. Last evaluated: 2021-05-27. Review status: criteria provided, single submitter. Criteria: Invitae Variant Classification Sherloc (09022015). Collection method: clinical testing. Allele origin: germline.
Comment: In summary, the available evidence is currently insufficient to determine the role of this variant in disease. Therefore, it has been classified as a Variant of Uncertain Significance. Experimental studies and prediction algorithms are not available or were not evaluated, and the functional significance of this variant is currently unknown. This variant has not been reported in the literature in individuals with RECQL4-related conditions. This variant is not present in population databases (ExAC no frequency). This sequence change replaces proline with threonine at codon 272 of the RECQL4 protein (p.Pro272Thr). The proline residue is moderately conserved and there is a small physicochemical difference between proline and threonine.